The following is an entry in ClinVar:

ClinVar aggregate classification (germline): Uncertain significance. Review status: criteria provided, multiple submitters, no conflicts (2 of 4 stars). 2 submissions from 2 submitters: Uncertain significance (2). Last evaluated 2022-06-13.

Conditions:
Familial cancer of breast. Also called: Hereditary breast cancer; BREAST CANCER, FAMILIAL; hereditary breast carcinoma. Identifiers: Orphanet 227535, MedGen C0346153, MONDO:0016419, OMIM 114480. Disease mechanism: loss of function.
Hereditary cancer-predisposing syndrome. Also called: Tumor predisposition; Hereditary neoplastic syndrome; Neoplastic Syndromes, Hereditary; Hereditary Cancer Syndrome. Identifiers: Orphanet 140162, MedGen C0027672, MeSH D009386, MONDO:0015356.

Submissions (2):

Color Diagnostics, LLC DBA Color Health
Classification: Uncertain significance for Hereditary cancer-predisposing syndrome. Last evaluated: 2022-06-13. Review status: criteria provided, single submitter. Criteria: ACMG Guidelines, 2015. Collection method: clinical testing. Allele origin: germline.
Comment: This missense variant replaces alanine with glycine at codon 590 of the PALB2 protein. Computational prediction suggests that this variant may not impact protein structure and function (internally defined REVEL score threshold <= 0.5, PMID: 27666373). To our knowledge, functional studies have not been reported for this variant. This variant has not been reported in individuals affected with hereditary cancer in the literature. This variant has not been identified in the general population by the Genome Aggregation Database (gnomAD). The available evidence is insufficient to determine the role of this variant in disease conclusively. Therefore, this variant is classified as a Variant of Uncertain Significance.

Labcorp Genetics (formerly Invitae), Labcorp
Classification: Uncertain significance for Familial cancer of breast. Last evaluated: 2020-12-03. Review status: criteria provided, single submitter. Criteria: Invitae Variant Classification Sherloc (09022015). Collection method: clinical testing. Allele origin: germline.
Comment: This variant has not been reported in the literature in individuals with PALB2-related conditions. In summary, the available evidence is currently insufficient to determine the role of this variant in disease. Therefore, it has been classified as a Variant of Uncertain Significance. Algorithms developed to predict the effect of missense changes on protein structure and function (SIFT, PolyPhen-2, Align-GVGD) all suggest that this variant is likely to be tolerated, but these predictions have not been confirmed by published functional studies and their clinical significance is uncertain. This variant is not present in population databases (ExAC no frequency). This sequence change replaces alanine with glycine at codon 590 of the PALB2 protein (p.Ala590Gly). The alanine residue is weakly conserved and there is a small physicochemical difference between alanine and glycine.

NM_024675.4(PALB2):c.1769C>G (p.Ala590Gly)

Gene: PALB2 (partner and localizer of BRCA2; minus strand). Cytogenetic location: 16p12.2.
Variant type: single nucleotide variant.
Coding change: c.1769C>G on transcript NM_024675.4 (MANE Select); coding-DNA position 1769, C replaced by G.
Protein change: p.Ala590Gly; replaces alanine 590 with glycine.
Molecular consequence: missense variant.
Genome position (GRCh38, 1-based): chr16:23,630,385, G>C on the plus strand (C>G on the coding strand, the complement: PALB2 is on the minus strand). VCF-style: chr16-23630385-G-C. GRCh37 (hg19) VCF-style: chr16-23641706-G-C.
Other names: short protein forms A590G.
Identifiers: ClinVar variation 1425617 (VCV001425617.11), dbSNP rs1966866430, ClinGen allele CA395128188.